The following is an entry in ClinVar:

ClinVar aggregate classification (germline): Benign/Likely benign. Review status: criteria provided, multiple submitters, no conflicts (2 of 4 stars). 13 submissions from 13 submitters: Benign (3); Likely benign (9). 1 of the submissions does not count toward it. Last evaluated 2026-07-01.

Conditions:
Intrauterine growth retardation, metaphyseal dysplasia, adrenal hypoplasia congenita, genital anomalies, and immunodeficiency. Also called: IMAGEI SYNDROME. Identifiers: MedGen C5193036, MONDO:0032684, OMIM 618336.
Facial dysmorphism-immunodeficiency-livedo-short stature syndrome. Also called: FILS syndrome; Facial dysmorphism, immunodeficiency, livedo, and short stature. Identifiers: Orphanet 352712, MedGen C3554576, MONDO:0014058, OMIM 615139.
Colorectal cancer, susceptibility to, 12 (CRCS12). Also called: COLORECTAL CANCER, SUSCEPTIBILITY TO, ON CHROMOSOME 12q24. Identifiers: Orphanet 220460, MedGen C3554460, MONDO:0014038, OMIM 615083.
Hereditary cancer-predisposing syndrome. Also called: Hereditary neoplastic syndrome; Hereditary Cancer Syndrome; Neoplastic Syndromes, Hereditary; Tumor predisposition. Identifiers: Orphanet 140162, MedGen C0027672, MeSH D009386, MONDO:0015356.
Carcinoma of colon (CRC). Also called: Colonic carcinoma; Colon carcinoma. Identifiers: MedGen C0699790, MONDO:0002032.

Allele frequency attached by ClinVar (database versions not stated): 1000 Genomes Project 30x 0.00016; 1000 Genomes Project 0.00020; TOPMed 0.00042; gnomAD 0.00052 and 0.00053; ESP Exome Variant Server 0.00054; gnomAD exomes 0.00068 and 0.00070; ExAC 0.00134.
gnomAD v4.1: 1,096 of 1,609,544 alleles (0.068%); highest among the groups gnomAD compares: Non-Finnish European, 0.08%; no homozygotes.

Submissions (13):

CeGaT Center for Human Genetics Tuebingen
Classification: Likely benign. Last evaluated: 2026-07-01. Review status: criteria provided, single submitter. Criteria: CeGaT Center For Human Genetics Tuebingen Variant Classification Criteria Version 2. Collection method: clinical testing. Allele origin: germline. Affected: yes. Observed: 5 variant alleles.
Comment: POLE: BP4, BP7

Labcorp Genetics (formerly Invitae), Labcorp
Classification: Benign. Last evaluated: 2026-01-27. Review status: criteria provided, single submitter. Criteria: Invitae Variant Classification Sherloc (09022015). Collection method: clinical testing. Allele origin: germline.

Center for Genomic Medicine, Rigshospitalet, Copenhagen University Hospital
Classification: Likely benign. Last evaluated: 2025-03-04. Review status: criteria provided, single submitter. Criteria: ACMG Guidelines, 2015. Collection method: clinical testing. Allele origin: germline.

Blueprint Genetics
Classification: Likely benign. Last evaluated: 2024-11-22. Review status: criteria provided, single submitter. Criteria: ACMG Guidelines, 2015. Collection method: clinical testing. Allele origin: germline.

ARUP Laboratories, Molecular Genetics and Genomics, ARUP Laboratories
Classification: Likely benign. Last evaluated: 2023-11-29. Review status: criteria provided, single submitter. Criteria: ARUP Molecular Germline Variant Investigation Process 2024. Collection method: clinical testing. Allele origin: germline.

Fulgent Genetics
Classification: Likely benign for Colorectal cancer, susceptibility to, 12; Facial dysmorphism-immunodeficiency-livedo-short stature syndrome; Intrauterine growth retardation, metaphyseal dysplasia, adrenal hypoplasia congenita, genital anomalies, and immunodeficiency. Last evaluated: 2022-05-27. Review status: criteria provided, single submitter. Criteria: ACMG Guidelines, 2015. Collection method: clinical testing. Allele origin: unknown.

Women's Health and Genetics/Laboratory Corporation of America, LabCorp
Classification: Benign. Last evaluated: 2022-05-12. Review status: criteria provided, single submitter. Criteria: LabCorp Variant Classification Summary - May 2015. Collection method: clinical testing. Allele origin: germline.

Sema4
Classification: Likely benign for Hereditary cancer-predisposing syndrome. Last evaluated: 2021-02-10. Review status: criteria provided, single submitter. Criteria: Sema4 Curation Guidelines. Collection method: curation. Allele origin: germline.

GeneDx
Classification: Likely benign. Last evaluated: 2020-10-14. Review status: criteria provided, single submitter. Criteria: GeneDx Variant Classification Process June 2021. Collection method: clinical testing. Allele origin: germline. Affected: yes.

Quest Diagnostics Nichols Institute San Juan Capistrano
Classification: Benign. Last evaluated: 2018-06-26. Review status: criteria provided, single submitter. Criteria: Quest Diagnostics criteria. Collection method: clinical testing. Allele origin: germline.

PreventionGenetics, part of Exact Sciences
Classification: Likely benign. Last evaluated: 2017-04-25. Review status: criteria provided, single submitter. Criteria: ACMG Guidelines, 2015. Collection method: clinical testing. Allele origin: germline.

Ambry Genetics
Classification: Likely benign for Hereditary cancer-predisposing syndrome. Last evaluated: 2015-06-22. Review status: criteria provided, single submitter. Criteria: Ambry Variant Classification Scheme 2023. Collection method: clinical testing. Allele origin: germline.

Department of Pathology and Laboratory Medicine, Sinai Health System
Classification: Likely benign for Carcinoma of colon. Review status: no assertion criteria provided. Collection method: clinical testing. Allele origin: unknown. Affected: yes. Observed: 1 variant allele. Study: The Canadian Open Genetics Repository (COGR). Not counted in ClinVar's aggregate classification.
Comment: The POLE p.Arg2165= variant was not identified in the literature nor was it identified in the Cosmic database. The variant was identified in dbSNP (ID: rs114778730) as "With Likely benign allele" and in ClinVar (classified as benign by Invitae; and as likely benign by GeneDx and Ambry Genetics). The variant was identified in control databases in 169 of 268900 chromosomes at a frequency of 0.0006 (Genome Aggregation Database Feb 27, 2017). The variant was observed in the following populations: African in 4 of 23124 chromosomes (freq: 0.0002), Other in 7 of 6322 chromosomes (freq: 0.001), Latino in 18 of 33610 chromosomes (freq: 0.0005), European in 121 of 122322 chromosomes (freq: 0.001), Finnish in 17 of 25164 chromosomes (freq: 0.0007), and South Asian in 2 of 29946 chromosomes (freq: 0.00007); it was not observed in the Ashkenazi Jewish or East Asian populations. The p.Arg2165= variant is not expected to have clinical significance because it does not result in a change of amino acid and is not located in a known consensus splice site. In addition, in silico or computational prediction software programs (SpliceSiteFinder, MaxEntScan, NNSPLICE, GeneSplicer, HumanSpliceFinder) do not predict a difference in splicing. In summary, based on the above information, the clinical significance of this variant cannot be determined with certainty at this time although we would lean towards a more benign role for this variant. This variant is classified as likely benign.

NM_006231.4(POLE):c.6495C>T (p.Arg2165=)

Gene: POLE (DNA polymerase epsilon, catalytic subunit; minus strand). Cytogenetic location: 12q24.33.
Variant type: single nucleotide variant.
Coding change: c.6495C>T on transcript NM_006231.4 (MANE Select); coding-DNA position 6495, C replaced by T.
Protein change: p.Arg2165=; no amino-acid change (arginine 2165 retained).
Molecular consequence: synonymous variant.
Genome position (GRCh38, 1-based): chr12:132,626,153, G>A on the plus strand (C>T on the coding strand, the complement: POLE is on the minus strand). VCF-style: chr12-132626153-G-A. GRCh37 (hg19) VCF-style: chr12-133202739-G-A.
Identifiers: ClinVar variation 240598 (VCV000240598.52), dbSNP rs114778730, ClinGen allele CA6892166.